The following is an entry in ClinVar:

ClinVar aggregate classification (germline): Uncertain significance (1 of 4 stars; one submission).

gnomAD v4.1: 1 of 1,614,194 alleles (0.000062%); highest among the groups gnomAD compares: Non-Finnish European, 0.000085%; no homozygotes.

Submission:

Ambry Genetics
Classification: Uncertain significance. Last evaluated: 2024-06-07. Review status: criteria provided, single submitter. Criteria: Ambry Variant Classification Scheme 2023. Collection method: clinical testing. Allele origin: germline.
Comment: The p.E306Q variant (also known as c.916G>C), located in coding exon 6 of the IDH1 gene, results from a G to C substitution at nucleotide position 916. The glutamic acid at codon 306 is replaced by glutamine, an amino acid with highly similar properties. This amino acid position is conserved. In addition, this alteration is predicted to be deleterious by in silico analysis. Based on the available evidence, the clinical significance of this variant remains unclear.

NM_005896.4(IDH1):c.916G>C (p.Glu306Gln)

Gene: IDH1 (isocitrate dehydrogenase (NADP(+)) 1; minus strand). Cytogenetic location: 2q34.
Variant type: single nucleotide variant.
Coding change: c.916G>C on transcript NM_005896.4 (MANE Select); coding-DNA position 916, G replaced by C.
Protein change: p.Glu306Gln; replaces glutamic acid 306 with glutamine.
Molecular consequence: missense variant.
Genome position (GRCh38, 1-based): chr2:208,239,938, C>G on the plus strand (G>C on the coding strand, the complement: IDH1 is on the minus strand). VCF-style: chr2-208239938-C-G. GRCh37 (hg19) VCF-style: chr2-209104662-C-G.
Other names: c.916G>C, p.Glu306Gln (NM_001282386.1, NM_001282387.1); short protein forms E306Q.
Identifiers: ClinVar variation 3285245 (VCV003285245.1).